The following is an entry in ClinVar:

ClinVar aggregate classification (germline): Uncertain significance (1 of 4 stars; one submission).

Conditions:
Gastrointestinal stromal tumor. Also called: Gastrointestinal stromal tumor, somatic; Gastrointestinal stroma tumor. Identifiers: Orphanet 44890, MedGen C0238198, MeSH D046152, MONDO:0011719, OMIM 606764, HP:0100723.

Submission:

Labcorp Genetics (formerly Invitae), Labcorp
Classification: Uncertain significance for Gastrointestinal stromal tumor. Last evaluated: 2020-04-10. Review status: criteria provided, single submitter. Criteria: Invitae Variant Classification Sherloc (09022015). Collection method: clinical testing. Allele origin: germline.
Comment: This sequence change replaces arginine with threonine at codon 759 of the PDGFRA protein (p.Arg759Thr). The arginine residue is highly conserved and there is a moderate physicochemical difference between arginine and threonine. In summary, the available evidence is currently insufficient to determine the role of this variant in disease. Therefore, it has been classified as a Variant of Uncertain Significance. Algorithms developed to predict the effect of missense changes on protein structure and function are either unavailable or do not agree on the potential impact of this missense change (SIFT: "Deleterious"; PolyPhen-2: "Probably Damaging"; Align-GVGD: "Class C0"). This variant has not been reported in the literature in individuals with PDGFRA-related conditions. This variant is not present in population databases (ExAC no frequency).

NM_006206.6(PDGFRA):c.2276G>C (p.Arg759Thr)

Gene: PDGFRA (platelet derived growth factor receptor alpha; plus strand). Cytogenetic location: 4q12.
Variant type: single nucleotide variant.
Coding change: c.2276G>C on transcript NM_006206.6 (MANE Select); coding-DNA position 2276, G replaced by C.
Protein change: p.Arg759Thr; replaces arginine 759 with threonine.
Molecular consequence: missense variant.
Genome position (GRCh38, 1-based): chr4:54,280,435, G>C. VCF-style: chr4-54280435-G-C. GRCh37 (hg19) VCF-style: chr4-55146602-G-C.
Other names: c.2276G>C, p.Arg759Thr (NM_001347827.2, NM_001347829.2); c.2351G>C, p.Arg784Thr (NM_001347828.2); c.2315G>C, p.Arg772Thr (NM_001347830.2); short protein forms R759T, R772T, R784T.
Identifiers: ClinVar variation 1015690 (VCV001015690.9), dbSNP rs1724012158, ClinGen allele CA356894460.
Genomic context (GRCh38, chr4:54,280,435, plus strand): 5'-CTACACAGTATGTCCCCATGCTAGAAAGGAAAGAGGTTTCTAAATATTCCGACATCCAGA[G>C]ATCACTCTATGATCGTCCAGCCTCATATAAGAAGAAATCTATGTTAGGTAAAAGTGTCTA-3'
Protein context (NP_006197.1, residues 749-769): KEVSKYSDIQ[Arg759Thr]SLYDRPASYK